The following is an entry in ClinVar:

ClinVar aggregate classification (germline): Uncertain significance (1 of 4 stars; one submission).

Conditions:
Autosomal dominant hypocalcemia 1 (HYPOC1). Also called: HYPOCALCEMIA, FAMILIAL. Identifiers: MedGen C3715128, MONDO:0011013, OMIM 601198.
Familial hypocalciuric hypercalcemia (FHH). Also called: Familial benign hypercalcemia. Identifiers: Orphanet 405, MedGen C1809471, MONDO:0018458.

Submission:

Labcorp Genetics (formerly Invitae), Labcorp
Classification: Uncertain significance for Familial hypocalciuric hypercalcemia; Autosomal dominant hypocalcemia 1. Last evaluated: 2023-08-17. Review status: criteria provided, single submitter. Criteria: Invitae Variant Classification Sherloc (09022015). Collection method: clinical testing. Allele origin: germline.
Comment: ClinVar contains an entry for this variant (Variation ID: 840869). This sequence change replaces threonine, which is neutral and polar, with lysine, which is basic and polar, at codon 906 of the CASR protein (p.Thr906Lys). This variant is not present in population databases (gnomAD no frequency). This variant has not been reported in the literature in individuals affected with CASR-related conditions. An algorithm developed to predict the effect of missense changes on protein structure and function (PolyPhen-2) suggests that this variant is likely to be tolerated. In summary, the available evidence is currently insufficient to determine the role of this variant in disease. Therefore, it has been classified as a Variant of Uncertain Significance.

NM_000388.4(CASR):c.2717C>A (p.Thr906Lys)

Gene: CASR (calcium sensing receptor; plus strand). Cytogenetic location: 3q21.1.
Variant type: single nucleotide variant.
Coding change: c.2717C>A on transcript NM_000388.4 (MANE Select); coding-DNA position 2717, C replaced by A.
Protein change: p.Thr906Lys; replaces threonine 906 with lysine.
Molecular consequence: missense variant.
Genome position (GRCh38, 1-based): chr3:122,284,671, C>A. VCF-style: chr3-122284671-C-A. GRCh37 (hg19) VCF-style: chr3-122003518-C-A.
Other names: c.2747C>A, p.Thr916Lys (NM_001178065.2); short protein forms T906K, T916K.
Identifiers: ClinVar variation 840869 (VCV000840869.10), dbSNP rs200357435, ClinGen allele CA354160617.